The following is an entry in ClinVar:

ClinVar aggregate classification (germline): Benign. Review status: criteria provided, multiple submitters, no conflicts (2 of 4 stars). 11 submissions from 11 submitters: Benign (7). 4 of the submissions do not count toward it. Last evaluated 2026-10-01.

Conditions:
VPS13A-related disorder. Also called: VPS13A-related condition.
VPS13A-related neurodegenerative disease. Also called: VPS13A Disease; LEVINE-CRITCHLEY SYNDROME; Choreaacanthocytosis; ACANTHOCYTOSIS WITH NEUROLOGIC DISORDER; Choreoacanthocytosis; Chorea-acanthocytosis. Identifiers: Orphanet 2388, MedGen C0393576, MONDO:0008695, OMIM 200150.

Allele frequency attached by ClinVar (database versions not stated): 1000 Genomes Project 0.00719; 1000 Genomes Project 30x 0.00750; gnomAD 0.00817 and 0.00850; TOPMed 0.00821; ESP Exome Variant Server 0.00953; gnomAD exomes 0.00962 and 0.01178; ExAC 0.01035.
gnomAD v4.1: 18,452 of 1,613,848 alleles (1.1%); highest among the groups gnomAD compares: South Asian, 1.4%; 136 homozygotes.

Submissions (11):

CeGaT Center for Human Genetics Tuebingen
Classification: Benign. Last evaluated: 2026-10-01. Review status: criteria provided, single submitter. Criteria: CeGaT Center For Human Genetics Tuebingen Variant Classification Criteria Version 2. Collection method: clinical testing. Allele origin: germline. Affected: yes. Observed: 52 variant alleles.
Comment: VPS13A: BS1, BS2

Labcorp Genetics (formerly Invitae), Labcorp
Classification: Benign. Last evaluated: 2026-02-02. Review status: criteria provided, single submitter. Criteria: Invitae Variant Classification Sherloc (09022015). Collection method: clinical testing. Allele origin: germline.

Mayo Clinic Laboratories, Mayo Clinic
Classification: Benign. Last evaluated: 2023-03-16. Review status: criteria provided, single submitter. Criteria: ACMG Guidelines, 2015. Collection method: clinical testing. Allele origin: germline. Observed: 19 variant alleles.
Comment: BS1, BS2, BP4

GeneDx
Classification: Benign. Last evaluated: 2020-09-28. Review status: criteria provided, single submitter. Criteria: GeneDx Variant Classification Process June 2021. Collection method: clinical testing. Allele origin: germline. Affected: yes.
Comment: This variant is associated with the following publications: (PMID: 27639821)

Athena Diagnostics
Classification: Benign. Last evaluated: 2018-10-22. Review status: criteria provided, single submitter. Criteria: Athena Diagnostics Criteria. Collection method: clinical testing. Allele origin: germline.

Illumina Laboratory Services, Illumina
Classification: Benign for VPS13A-related neurodegenerative disease. Last evaluated: 2018-01-12. Review status: criteria provided, single submitter. Criteria: ICSL Variant Classification Criteria 13 December 2019. Collection method: clinical testing. Allele origin: germline.
Comment: This variant was observed in the ICSL laboratory as part of a predisposition screen in an ostensibly healthy population. It had not been previously curated by ICSL or reported in the Human Gene Mutation Database (HGMD: prior to June 1st, 2018), and was therefore a candidate for classification through an automated scoring system. Utilizing variant allele frequency, disease prevalence and penetrance estimates, and inheritance mode, an automated score was calculated to assess if this variant is too frequent to cause the disease. Based on the score and internal cut-off values, a variant classified as benign is not then subjected to further curation. The score for this variant resulted in a classification of benign for this disease.

Breakthrough Genomics
Classification: Benign. Review status: criteria provided, single submitter. Criteria: ACMG Guidelines, 2015. Collection method: not provided. Allele origin: germline. Inheritance: Autosomal recessive inheritance. Affected: yes.

Natera, Inc.
Classification: Benign for Choreaacanthocytosis. Last evaluated: 2020-09-16. Review status: no assertion criteria provided. Collection method: clinical testing. Allele origin: germline. Not counted in ClinVar's aggregate classification.

PreventionGenetics, part of Exact Sciences
Classification: Benign for VPS13A-related condition. Last evaluated: 2019-05-03. Review status: no assertion criteria provided. Collection method: clinical testing. Allele origin: germline. Not counted in ClinVar's aggregate classification.
Comment: This variant is classified as benign based on ACMG/AMP sequence variant interpretation guidelines (Richards et al. 2015 PMID: 25741868, with internal and published modifications).

Diagnostic Laboratory, Department of Genetics, University Medical Center Groningen
Classification: Likely benign for VPS13A-related neurodegenerative disease. Review status: no assertion criteria provided. Collection method: clinical testing. Allele origin: germline. Affected: yes. Study: VKGL Data-share Consensus. Not counted in ClinVar's aggregate classification.

Genome Diagnostics Laboratory, Amsterdam University Medical Center
Classification: Benign. Review status: no assertion criteria provided. Collection method: clinical testing. Allele origin: germline. Affected: yes. Study: VKGL Data-share Consensus. Not counted in ClinVar's aggregate classification.

NM_033305.3(VPS13A):c.9370C>A (p.His3124Asn)

Gene: VPS13A (vacuolar protein sorting 13 homolog A; plus strand). Cytogenetic location: 9q21.2.
Variant type: single nucleotide variant.
Coding change: c.9370C>A on transcript NM_033305.3 (MANE Select); coding-DNA position 9370, C replaced by A.
Protein change: p.His3124Asn; replaces histidine 3124 with asparagine.
Molecular consequence: missense variant.
Genome position (GRCh38, 1-based): chr9:77,405,958, C>A. VCF-style: chr9-77405958-C-A. GRCh37 (hg19) VCF-style: chr9-80020874-C-A.
Other names: p.His3124Asn; c.9253C>A, p.His3085Asn (NM_001018037.2); short protein forms H3124N, H3085N.
Identifiers: ClinVar variation 518403 (VCV000518403.54), dbSNP rs117983287, ClinGen allele CA5094028.
Genomic context (GRCh38, chr9:77,405,958, plus strand): 5'-CAACTCACGTGTGAGTGGCAGTATAGTTTTGATGAATTTACCAAAGAGCCATTCATTGTT[C>A]ATGGGAGAAGATTGCGCATTGAAGCAAAGGTATGTTGAATAGATTTATTTTTTGAAAACT-3'
Protein context (NP_150648.2, residues 3114-3134): DEFTKEPFIV[His3124Asn]GRRLRIEAKE